The following is an entry in ClinVar:

ClinVar aggregate classification (germline): Uncertain significance (1 of 4 stars; one submission).

Conditions:
Frontometaphyseal dysplasia 1 (FMD1). Also called: Frontometaphyseal Dysplasia (FLNA-FMD). Identifiers: Orphanet 1826, MedGen C4281559, MONDO:0024550, OMIM 305620.
Oto-palato-digital syndrome, type I (OPD1). Also called: OPD I SYNDROME; OPD SYNDROME 1; Otopalatodigital Syndrome, Type I; Otopalatodigital Syndrome Type 1 (FLNA-OPD1); Taybi syndrome. Identifiers: Orphanet 669, Orphanet 90650, MedGen C0265251, MONDO:0010704, OMIM 311300.
Oto-palato-digital syndrome, type II (OPD2). Also called: OPD II SYNDROME; Otopalatodigital Syndrome, Type II; Otopalatodigital Syndrome Type 2 (FLNA-OPD2); FACIOPALATOOSSEOUS SYNDROME. Identifiers: Orphanet 669, Orphanet 90652, MedGen C1844696, MONDO:0010571, OMIM 304120.
Melnick-Needles syndrome (MNS). Also called: MELNICK-NEEDLES OSTEODYSPLASTY; OSTEODYSPLASTY OF MELNICK AND NEEDLES; Melnick-Needles Syndrome (FLNA-MNS). Identifiers: Orphanet 2484, MedGen C0025237, MONDO:0010650, OMIM 309350.
FG syndrome 2 (FGS2). Identifiers: MedGen C1845902, MONDO:0010297, OMIM 300321.
Cardiac valvular dysplasia, X-linked (CVDPX). Also called: FLNA-Related X-linked Cardiac Valvular Dysplasia; MYXOMATOUS VALVULAR DYSTROPHY, X-LINKED; Isolated X-Linked Cardiac Valvular Dysplasia; VALVULAR HEART DISEASE, CONGENITAL; Congenital valvular dysplasia. Identifiers: Orphanet 1864, Orphanet 555877, Orphanet 75497, MedGen C0262436, MONDO:0010753, OMIM 314400.
Terminal osseous dysplasia-pigmentary defects syndrome. Also called: ODPD; ODPF SYNDROME; OSSEOUS DYSPLASIA, DIGITAL, WITH FACIAL PIGMENTARY DEFECTS AND MULTIPLE FRENULA; TERMINAL OSSEOUS DYSPLASIA AND PIGMENTARY DEFECTS; Terminal Osseous Dysplasia (FLNA-TOD). Identifiers: Orphanet 88630, MedGen C1846129, MONDO:0010279, OMIM 300244.
Intestinal pseudoobstruction, neuronal, chronic idiopathic, X-linked (CIIPX). Also called: INTESTINAL PSEUDOOBSTRUCTION, NEURONAL, CHRONIC IDIOPATHIC, WITH CENTRAL NERVOUS SYSTEM INVOLVEMENT; FLNA-Related Periventricular Nodular Heterotopia (FLNA-Related PVNH; Huttenlocher Syndrome); CONGENITAL IDIOPATHIC INTESTINAL PSEUDOOBSTRUCTION. Identifiers: Orphanet 2301, MedGen C2746068, MONDO:0010232, OMIM 300048.
Heterotopia, periventricular, X-linked dominant (PVNH1). Also called: PERIVENTRICULAR NODULAR HETEROTOPIA 1; PERIVENTRICULAR NODULAR HETEROTOPIA 4; HETEROTOPIA, PERIVENTRICULAR, 1; X-linked periventricular heterotopia. Identifiers: Orphanet 2149, Orphanet 82004, MedGen C1848213, MONDO:0010233, OMIM 300049.

gnomAD v4.1: 1 of 1,211,677 alleles (0.000083%); highest among the groups gnomAD compares: East Asian, 0.003%; no homozygotes.

Submission:

Juno Genomics, Hangzhou Juno Genomics, Inc
Classification: Uncertain significance for FG syndrome 2; Cardiac valvular dysplasia, X-linked; Intestinal pseudoobstruction, neuronal, chronic idiopathic, X-linked; Frontometaphyseal dysplasia 1; Heterotopia, periventricular, X-linked dominant; Melnick-Needles syndrome; Oto-palato-digital syndrome, type I; Oto-palato-digital syndrome, type II; Terminal osseous dysplasia-pigmentary defects syndrome. Review status: criteria provided, single submitter. Criteria: ACMG Guidelines, 2015. Collection method: clinical testing. Allele origin: germline.
Comment: Absent from controls (or at extremely low frequency if recessive) in Genome Aggregation Database.;Multiple lines of computational evidence support a deleterious effect on the gene or gene product.

NM_001110556.2(FLNA):c.6331C>T (p.Pro2111Ser)

Gene: FLNA (filamin A; minus strand). Cytogenetic location: Xq28.
Variant type: single nucleotide variant.
Coding change: c.6331C>T on transcript NM_001110556.2 (MANE Select); coding-DNA position 6331, C replaced by T.
Protein change: p.Pro2111Ser; replaces proline 2111 with serine.
Molecular consequence: missense variant.
Genome position (GRCh38, 1-based): chrX:154,352,820, G>A on the plus strand (C>T on the coding strand, the complement: FLNA is on the minus strand). VCF-style: chrX-154352820-G-A. GRCh37 (hg19) VCF-style: chrX-153581188-G-A.
Other names: c.6307C>T, p.Pro2103Ser (NM_001456.4); short protein forms P2111S, P2103S.
Identifiers: ClinVar variation 5007529 (VCV005007529.2).